The following is an entry in ClinVar:

NM_138773.4(SLC25A46):c.1019G>A (p.Arg340His)

Gene: SLC25A46 (solute carrier family 25 member 46; plus strand). Cytogenetic location: 5q22.1.
Variant type: single nucleotide variant.
Coding change: c.1019G>A on transcript NM_138773.4 (MANE Select); coding-DNA position 1019, G replaced by A.
Protein change: p.Arg340His; replaces arginine 340 with histidine.
Molecular consequence: missense variant. On other transcripts: non-coding transcript variant (1).
Genome position (GRCh38, 1-based): chr5:110,761,544, G>A. VCF-style: chr5-110761544-G-A. GRCh37 (hg19) VCF-style: chr5-110097244-G-A.
Other names: c.776G>A, p.Arg259His (NM_001303249.3); c.746G>A, p.Arg249His (NM_001303250.3); c.1019G>A (NM_138773.2); short protein forms R249H, R259H, R340H.
Identifiers: ClinVar variation 1037241 (VCV001037241.8), dbSNP rs1406148342, ClinGen allele CA360696792.

ClinVar aggregate classification (germline): Uncertain significance. Review status: criteria provided, multiple submitters, no conflicts (2 of 4 stars). 3 submissions from 3 submitters: Uncertain significance (3). Last evaluated 2023-12-08.

Conditions:
Neuropathy, hereditary motor and sensory, type 6B (HMSN6B). Also called: NEUROPATHY, HEREDITARY MOTOR AND SENSORY, TYPE VIB, WITH OPTIC ATROPHY; Neuropathy, hereditary motor and sensory, type VIB; HMSN VIB; CHARCOT-MARIE-TOOTH DISEASE, TYPE 6B. Identifiers: MedGen C4225302, MONDO:0014671, OMIM 616505.
Inborn genetic diseases. Identifiers: MedGen C0950123, MeSH D030342.

Allele frequency attached by ClinVar (database versions not stated): gnomAD exomes below 0.00001 and 0.00001.

Submissions (3):

GeneDx
Classification: Uncertain significance. Last evaluated: 2023-12-08. Review status: criteria provided, single submitter. Criteria: GeneDx Variant Classification Process June 2021. Collection method: clinical testing. Allele origin: germline. Affected: yes.
Comment: Has not been previously published as pathogenic or benign to our knowledge; Not observed at significant frequency in large population cohorts (gnomAD); In silico analysis supports that this missense variant has a deleterious effect on protein structure/function

Labcorp Genetics (formerly Invitae), Labcorp
Classification: Uncertain significance for Neuropathy, hereditary motor and sensory, type 6B. Last evaluated: 2021-09-29. Review status: criteria provided, single submitter. Criteria: Invitae Variant Classification Sherloc (09022015). Collection method: clinical testing. Allele origin: germline.
Comment: In summary, the available evidence is currently insufficient to determine the role of this variant in disease. Therefore, it has been classified as a Variant of Uncertain Significance. This variant disrupts the p.Arg340 amino acid residue in SLC25A46. Other variant(s) that disrupt this residue have been determined to be pathogenic (PMID: 26168012, 27543974, 28369803, 28558379). This suggests that this residue is clinically significant, and that variants that disrupt this residue are likely to be disease-causing. Algorithms developed to predict the effect of missense changes on protein structure and function (SIFT, PolyPhen-2, Align-GVGD) all suggest that this variant is likely to be disruptive. This variant has not been reported in the literature in individuals affected with SLC25A46-related conditions. This variant is not present in population databases (ExAC no frequency). This sequence change replaces arginine with histidine at codon 340 of the SLC25A46 protein (p.Arg340His). The arginine residue is highly conserved and there is a small physicochemical difference between arginine and histidine.

Ambry Genetics
Classification: Uncertain significance for Inborn genetic diseases. Last evaluated: 2020-12-21. Review status: criteria provided, single submitter. Criteria: Ambry Variant Classification Scheme 2023. Collection method: clinical testing. Allele origin: germline.
Comment: The p.R340H variant (also known as c.1019G>A), located in coding exon 8 of the SLC25A46 gene, results from a G to A substitution at nucleotide position 1019. The arginine at codon 340 is replaced by histidine, an amino acid with highly similar properties. This amino acid position is highly conserved in available vertebrate species. In addition, this alteration is predicted to be deleterious by in silico analysis. Since supporting evidence is limited at this time, the clinical significance of this alteration remains unclear.

Literature cited by the submitters: PubMed 26168012 (cited by Labcorp Genetics (formerly Invitae), Labcorp); PubMed 27543974 (cited by Labcorp Genetics (formerly Invitae), Labcorp); PubMed 28369803 (cited by Labcorp Genetics (formerly Invitae), Labcorp); PubMed 28558379 (cited by Labcorp Genetics (formerly Invitae), Labcorp).